The following is an entry in ClinVar:

NC_000003.11:g.(?_128627018)_(128629666_?)dup

Gene: ACAD9 (acyl-CoA dehydrogenase family member 9; plus strand). Cytogenetic location: 3q21.3.
Variant type: Duplication.
Identifiers: ClinVar variation 3247012 (VCV003247012.1).

ClinVar aggregate classification (germline): Likely pathogenic (1 of 4 stars; one submission).

Submission:

Labcorp Genetics (formerly Invitae), Labcorp
Classification: Likely pathogenic. Last evaluated: 2022-11-28. Review status: criteria provided, single submitter. Criteria: Invitae Variant Classification Sherloc (09022015). Collection method: clinical testing. Allele origin: unknown.
Comment: In summary, the currently available evidence indicates that the variant is pathogenic, but additional data are needed to prove that conclusively. Therefore, this variant has been classified as Likely Pathogenic. This variant has not been reported in the literature in individuals affected with ACAD9-related conditions. This variant results in a copy number gain of the genomic region encompassing exon(s) 13-17 of the ACAD9 gene. While the exact position of this variant cannot be determined from the data, sub-genic copy number gains are generally in tandem (PMID: 25640679). This variant is predicted to be out-of-frame, and may result in an absent or disrupted protein product. Loss-of-function variants in ACAD9 are known to be pathogenic (PMID: 25721401).

Literature cited by the submitters: PubMed 25640679; PubMed 25721401.